The following is an entry in ClinVar:

ClinVar aggregate classification (germline): Likely benign. Review status: criteria provided, multiple submitters, no conflicts (2 of 4 stars). 3 submissions from 2 submitters: Likely benign (3). Last evaluated 2018-01-12.

Conditions:
Alpha-N-acetylgalactosaminidase deficiency type 2. Also called: ALPHA-N-ACETYLGALACTOSAMINIDASE DEFICIENCY, TYPE II; NAGA DEFICIENCY, TYPE II; SCHINDLER DISEASE, TYPE II. Identifiers: Orphanet 3137, Orphanet 79280, MedGen C1836522, MONDO:0012222, OMIM 609242.
Alpha-N-acetylgalactosaminidase deficiency type 1. Also called: SCHINDLER DISEASE, TYPE I; ALPHA-N-ACETYLGALACTOSAMINIDASE DEFICIENCY, TYPE I; NAGA DEFICIENCY, TYPE I; NEUROAXONAL DYSTROPHY, SCHINDLER TYPE. Identifiers: Orphanet 3137, Orphanet 79279, Orphanet 79281, MedGen C1836544, MONDO:0012221, OMIM 609241.

Allele frequency attached by ClinVar (database versions not stated): gnomAD exomes 0.00099; 1000 Genomes Project 0.00100; 1000 Genomes Project 30x 0.00125; gnomAD 0.00156 and 0.00168; TOPMed 0.00206.
gnomAD v4.1: 260 of 163,826 alleles (0.16%); highest among the groups gnomAD compares: Middle Eastern, 2.2%; no homozygotes.

Submissions (3):

Illumina Laboratory Services, Illumina
Classification: Likely benign for Alpha-N-acetylgalactosaminidase deficiency type 2. Last evaluated: 2018-01-12. Review status: criteria provided, single submitter. Criteria: ICSL Variant Classification Criteria 13 December 2019. Collection method: clinical testing. Allele origin: germline.
Comment: This variant was observed in the ICSL laboratory as part of a predisposition screen in an ostensibly healthy population. It had not been previously curated by ICSL or reported in the Human Gene Mutation Database (HGMD: prior to June 1st, 2018), and was therefore a candidate for classification through an automated scoring system. Utilizing variant allele frequency, disease prevalence and penetrance estimates, and inheritance mode, an automated score was calculated to assess if this variant is too frequent to cause the disease. Based on the score and internal cut-off values, a variant classified as likely benign is not then subjected to further curation. The score for this variant resulted in a classification of likely benign for this disease.

Illumina Laboratory Services, Illumina
Classification: Likely benign for Alpha-N-acetylgalactosaminidase deficiency type 1. Last evaluated: 2018-01-12. Review status: criteria provided, single submitter. Criteria: ICSL Variant Classification Criteria 13 December 2019. Collection method: clinical testing. Allele origin: germline.
Comment: the same text as in the submission from Illumina Laboratory Services, Illumina above.

Breakthrough Genomics
Classification: Likely benign. Review status: criteria provided, single submitter. Criteria: ACMG Guidelines, 2015. Collection method: not provided. Allele origin: germline. Inheritance: Autosomal recessive inheritance. Affected: yes.

NM_000262.3(NAGA):c.*555C>T

Gene: NAGA (alpha-N-acetylgalactosaminidase; minus strand). Cytogenetic location: 22q13.2.
Variant type: single nucleotide variant.
Coding change: c.*555C>T on transcript NM_000262.3 (MANE Select); 555 bases downstream of the stop codon, C replaced by T.
Molecular consequence: 3 prime UTR variant.
Genome position (GRCh38, 1-based): chr22:42,059,724, G>A on the plus strand (C>T on the coding strand, the complement: NAGA is on the minus strand). VCF-style: chr22-42059724-G-A. GRCh37 (hg19) VCF-style: chr22-42455728-G-A.
Other names: c.*555C>T (NM_001362848.1, NM_001362850.1).
Identifiers: ClinVar variation 341897 (VCV000341897.6), dbSNP rs141688392, ClinGen allele CA10654171.
Genomic context (GRCh38, chr22:42,059,724, plus strand): 5'-TGCCAGACATCATCCATAGAGGTGAGATTTGAATCCAGCACCCCGTGTAGTGCCACCAGA[G>A]TCCCTAACTAAAGGTACCCCAGGTCCATATTACAACTACTTGATTAAAGAACAGGTTTAT-3'